The following is an entry in ClinVar:

NM_005456.4(MAPK8IP1):c.330_341del (p.Glu110_Asp113del)

Gene: MAPK8IP1 (mitogen-activated protein kinase 8 interacting protein 1; plus strand). Cytogenetic location: 11p11.2.
Variant type: Deletion.
Coding change: c.330_341del on transcript NM_005456.4 (MANE Select); coding-DNA positions 330 to 341, 12 bases deleted (GGAGGACGACGA).
Protein change: p.Glu110_Asp113del.
Molecular consequence: inframe deletion.
Genome position (GRCh38, 1-based): chr11:45,900,260-45,900,271, GGAGGACGACGA deleted; deleting any 12 consecutive bases within chr11:45,900,249-45,900,271 gives the same sequence; the c. name uses the placement nearest the transcript's 3' end. VCF-style (leftmost placement, unchanged base first): chr11-45900248-CGAGGACGACGAG-C. GRCh37 (hg19) VCF-style: chr11-45921799-CGAGGACGACGAG-C.
Identifiers: ClinVar variation 5007866 (VCV005007866.2).
Genomic context (GRCh38, chr11:45,900,248, plus strand): 5'-GTTGCAGGCCGAGATGCTGCAGATGGACCTGATCGACGCGACGGGGGACACTCCCGGGGC[CGAGGACGACGAG>C]GAGGACGACGACGAGGAGCGCGCGGCCCGGCGGCCGGGAGCGGGGCCGCCCAAGGCCGAG-3'

ClinVar aggregate classification (germline): Uncertain significance (1 of 4 stars; one submission).

Conditions:
Type 2 diabetes mellitus. Also called: Type II diabetes mellitus. Identifiers: MedGen C0011860, MeSH D003924, MONDO:0005148, OMIM 125853, HP:0005978.

Submission:

Juno Genomics, Hangzhou Juno Genomics, Inc
Classification: Uncertain significance for Type 2 diabetes mellitus. Review status: criteria provided, single submitter. Criteria: ACMG Guidelines, 2015. Collection method: clinical testing. Allele origin: germline.
Comment: Absent from controls (or at extremely low frequency if recessive) in Genome Aggregation Database.;Protein length changes due to in-frame deletions/insertions in a non-repeat region or stop-loss variants.